The following is an entry in ClinVar:

NC_000021.8:g.(?_46893789)_(46957873_?)dup

Genes: COL18A1 (collagen type XVIII alpha 1 chain; plus strand), SLC19A1 (solute carrier family 19 member 1; minus strand). Cytogenetic location: 21q22.3.
Variant type: Duplication.
Identifiers: ClinVar variation 2427192 (VCV002427192.5).

ClinVar aggregate classification (germline): Uncertain significance (1 of 4 stars; one submission).

Submission:

Labcorp Genetics (formerly Invitae), Labcorp
Classification: Uncertain significance. Last evaluated: 2021-12-19. Review status: criteria provided, single submitter. Criteria: Invitae Variant Classification Sherloc (09022015). Collection method: clinical testing. Allele origin: germline.
Comment: In summary, the available evidence is currently insufficient to determine the role of this variant in disease. Therefore, it has been classified as a Variant of Uncertain Significance. This variant has not been reported in the literature in individuals affected with COL18A1-related conditions. This variant results in a copy number gain of the genomic region encompassing exon(s) 4-42 of the COL18A1 gene. This region includes the termination codon of the gene. This copy number gain extends beyond the assayed region for this gene and therefore may encompass additional genes. As the precise location of this event is unknown, it may be in tandem or it may be located elsewhere in the genome.